The following is an entry in ClinVar:

ClinVar aggregate classification (germline): Uncertain significance. Review status: criteria provided, multiple submitters, no conflicts (2 of 4 stars). 2 submissions from 2 submitters: Uncertain significance (2). Last evaluated 2026-09-01.

gnomAD v4.1: 8 of 1,613,320 alleles (0.0005%); highest among the groups gnomAD compares: Admixed American, 0.0083%; no homozygotes.

Submissions (2):

CeGaT Center for Human Genetics Tuebingen
Classification: Uncertain significance. Last evaluated: 2026-09-01. Review status: criteria provided, single submitter. Criteria: CeGaT Center For Human Genetics Tuebingen Variant Classification Criteria Version 2. Collection method: clinical testing. Allele origin: germline. Affected: yes. Observed: 1 variant allele.
Comment: TTN: PM2, BP4

Revvity Omics, Revvity
Classification: Uncertain significance. Last evaluated: 2024-02-13. Review status: criteria provided, single submitter. Criteria: ACMG Guidelines, 2015. Collection method: clinical testing. Allele origin: germline.

NM_001267550.2(TTN):c.22148A>G (p.Asn7383Ser)

Gene: TTN (titin; minus strand). Cytogenetic location: 2q31.2.
Variant type: single nucleotide variant.
Coding change: c.22148A>G on transcript NM_001267550.2 (MANE Select); coding-DNA position 22148, A replaced by G.
Protein change: p.Asn7383Ser; replaces asparagine 7383 with serine.
Molecular consequence: missense variant. On other transcripts: intron variant (3).
Genome position (GRCh38, 1-based): chr2:178,722,751, T>C on the plus strand (A>G on the coding strand, the complement: TTN is on the minus strand). VCF-style: chr2-178722751-T-C. GRCh37 (hg19) VCF-style: chr2-179587478-T-C.
Other names: c.21197A>G, p.Asn7066Ser (NM_001256850.1); c.18416A>G, p.Asn6139Ser (NM_133378.4); c.13282+15331A>G (NM_003319.4); c.13858+15331A>G (NM_133437.4); c.13657+15331A>G (NM_133432.3); short protein forms N6139S, N7066S, N7383S.
Identifiers: ClinVar variation 4080644 (VCV004080644.2).